The following is an entry in ClinVar:

NM_182961.4(SYNE1):c.22617C>T (p.Leu7539=)

Gene: SYNE1 (spectrin repeat containing nuclear envelope protein 1; minus strand). Cytogenetic location: 6q25.2.
Variant type: single nucleotide variant.
Coding change: c.22617C>T on transcript NM_182961.4 (MANE Select); coding-DNA position 22617, C replaced by T.
Protein change: p.Leu7539=; no amino-acid change (leucine 7539 retained).
Molecular consequence: synonymous variant.
Genome position (GRCh38, 1-based): chr6:152,208,179, G>A on the plus strand (C>T on the coding strand, the complement: SYNE1 is on the minus strand). VCF-style: chr6-152208179-G-A. GRCh37 (hg19) VCF-style: chr6-152529314-G-A.
Other names: p.Leu7468=; c.22404C>T, p.Leu7468= (NM_033071.5).
Identifiers: ClinVar variation 284935 (VCV000284935.24), dbSNP rs111367233, ClinGen allele CA4053829.

ClinVar aggregate classification (germline): Conflicting classifications of pathogenicity. Review status: criteria provided, conflicting classifications (1 of 4 stars). 7 submissions from 7 submitters: Uncertain significance (1); Benign (1); Likely benign (5). Last evaluated 2026-01-01.

Conditions:
Emery-Dreifuss muscular dystrophy 4, autosomal dominant (EDMD4). Also called: EMERY-DREIFUSS MUSCULAR DYSTROPHY 4 WITH VARIABLE FEATURES. Identifiers: Orphanet 261, MedGen C2751807, MONDO:0013071, OMIM 612998.
Autosomal recessive ataxia, Beauce type. Also called: SYNE1 Deficiency; SYNE1-Related Autosomal Recessive Cerebellar Ataxia; ATAXIA, RECESSIVE, OF BEAUCE; Spinocerebellar ataxia, autosomal recessive 8. Identifiers: Orphanet 88644, MedGen C1853116, MONDO:0012549, OMIM 610743.

Allele frequency attached by ClinVar (database versions not stated): gnomAD exomes 0.00005 and 0.00017; 1000 Genomes Project 30x 0.00109; 1000 Genomes Project 0.00120; ExAC 0.00019; gnomAD 0.00069 and 0.00070; TOPMed 0.00075; ESP Exome Variant Server 0.00077.
gnomAD v4.1: 206 of 1,613,988 alleles (0.013%); highest among the groups gnomAD compares: African/African-American, 0.23%; 1 homozygote.

Submissions (7):

CeGaT Center for Human Genetics Tuebingen
Classification: Likely benign. Last evaluated: 2026-01-01. Review status: criteria provided, single submitter. Criteria: CeGaT Center For Human Genetics Tuebingen Variant Classification Criteria Version 2. Collection method: clinical testing. Allele origin: germline. Affected: yes. Observed: 1 variant allele.
Comment: SYNE1: BP4, BP7

Labcorp Genetics (formerly Invitae), Labcorp
Classification: Likely benign for Emery-Dreifuss muscular dystrophy 4, autosomal dominant; Autosomal recessive ataxia, Beauce type. Last evaluated: 2025-09-25. Review status: criteria provided, single submitter. Criteria: Invitae Variant Classification Sherloc (09022015). Collection method: clinical testing. Allele origin: germline.

Mayo Clinic Laboratories, Mayo Clinic
Classification: Likely benign. Last evaluated: 2025-02-04. Review status: criteria provided, single submitter. Criteria: ACMG Guidelines, 2015. Collection method: clinical testing. Allele origin: germline. Observed: 2 variant alleles.
Comment: BS1, BP4, BP7

Blueprint Genetics
Classification: Likely benign. Last evaluated: 2024-08-06. Review status: criteria provided, single submitter. Criteria: ACMG Guidelines, 2015. Collection method: clinical testing. Allele origin: germline.

GeneDx
Classification: Likely benign. Last evaluated: 2021-03-29. Review status: criteria provided, single submitter. Criteria: GeneDx Variant Classification Process June 2021. Collection method: clinical testing. Allele origin: germline. Affected: yes.

Athena Diagnostics
Classification: Benign. Last evaluated: 2020-01-15. Review status: criteria provided, single submitter. Criteria: Athena Diagnostics Criteria. Collection method: clinical testing. Allele origin: unknown.

Eurofins Ntd Llc (ga)
Classification: Uncertain significance. Last evaluated: 2018-06-05. Review status: criteria provided, single submitter. Criteria: EGL ClinVar v180209 classification definitions. Collection method: clinical testing. Allele origin: germline. Observed: 6 variant alleles, 6 heterozygotes.